The following is an entry in ClinVar:

NM_001355436.2(SPTB):c.326_327dup (p.Ile110fs)

Gene: SPTB (spectrin beta, erythrocytic; minus strand). Cytogenetic location: 14q23.3.
Variant type: Microsatellite.
Coding change: c.326_327dup on transcript NM_001355436.2 (MANE Select); coding-DNA positions 326 to 327, 2 bases duplicated (GC; older notation c.326_327dupGC).
Protein change: p.Ile110fs; shifts the reading frame from isoleucine 110.
Molecular consequence: frameshift variant.
Genome position (GRCh38, 1-based): chr14:64,803,754-64,803,755, GC duplicated on the plus strand (GC on the coding strand, the reverse complement: SPTB is on the minus strand); duplicating any 2 consecutive bases within chr14:64,803,754-64,803,757 gives the same sequence; the c. name uses the placement nearest the transcript's 3' end. VCF-style (leftmost placement, unchanged base first): chr14-64803753-T-TGC. GRCh37 (hg19) VCF-style: chr14-65270471-T-TGC.
Other names: c.326_327dupGC (NM_001355436.2); c.326_327dup, p.Ile110fs (NM_001024858.4, NM_001355437.2); short protein forms I110fs.
Identifiers: ClinVar variation 4539108 (VCV004539108.1).

ClinVar aggregate classification (germline): Pathogenic (1 of 4 stars; one submission).

Submission:

Center for Genomic Medicine, Rigshospitalet, Copenhagen University Hospital
Classification: Pathogenic. Last evaluated: 2025-12-29. Review status: criteria provided, single submitter. Criteria: ACMG Guidelines, 2015. Collection method: clinical testing. Allele origin: germline.
Comment: Classification criteria: PVS1, PM2_supporting, PP4_Strong, PP1_Supporting